The following is an entry in ClinVar:

ClinVar aggregate classification (germline): Likely benign. Review status: criteria provided, multiple submitters, no conflicts (2 of 4 stars). 2 submissions from 2 submitters: Likely benign (2). Last evaluated 2025-09-27.

Conditions:
Prostate cancer, hereditary, 9 (HPC9). Identifiers: Orphanet 1331, MedGen C1970250, MONDO:0012597, OMIM 610997.

gnomAD v4.1: 1 of 1,603,418 alleles (0.000062%); highest among the groups gnomAD compares: South Asian, 0.0011%; no homozygotes.

Submissions (2):

Labcorp Genetics (formerly Invitae), Labcorp
Classification: Likely benign. Last evaluated: 2025-09-27. Review status: criteria provided, single submitter. Criteria: Invitae Variant Classification Sherloc (09022015). Collection method: clinical testing. Allele origin: germline.

Myriad Genetics, Inc.
Classification: Likely benign for Prostate cancer, hereditary, 9. Last evaluated: 2024-10-30. Review status: criteria provided, single submitter. Criteria: Myriad Autosomal Dominant, Autosomal Recessive and X-Linked Classification Criteria (2023). Collection method: clinical testing. Allele origin: unknown.
Comment: This variant is considered likely benign. This variant is intronic and is not expected to impact mRNA splicing.

NM_006361.6(HOXB13):c.602-7C>T

Gene: HOXB13 (homeobox B13; minus strand). Cytogenetic location: 17q21.32.
Variant type: single nucleotide variant.
Coding change: c.602-7C>T on transcript NM_006361.6 (MANE Select); 7 bases into the intron before coding-DNA position 602, C replaced by T.
Molecular consequence: intron variant.
Genome position (GRCh38, 1-based): chr17:48,727,050, G>A on the plus strand (C>T on the coding strand, the complement: HOXB13 is on the minus strand). VCF-style: chr17-48727050-G-A. GRCh37 (hg19) VCF-style: chr17-46804412-G-A.
Identifiers: ClinVar variation 3619877 (VCV003619877.3).